The following is an entry in ClinVar:

NM_003079.5(SMARCE1):c.572C>T (p.Thr191Ile)

Gene: SMARCE1 (SWI/SNF related BAF chromatin remodeling complex subunit E1; minus strand). Cytogenetic location: 17q21.2.
Variant type: single nucleotide variant.
Coding change: c.572C>T on transcript NM_003079.5 (MANE Select); coding-DNA position 572, C replaced by T.
Protein change: p.Thr191Ile; replaces threonine 191 with isoleucine.
Molecular consequence: missense variant.
Genome position (GRCh38, 1-based): chr17:40,632,337, G>A on the plus strand (C>T on the coding strand, the complement: SMARCE1 is on the minus strand). VCF-style: chr17-40632337-G-A. GRCh37 (hg19) VCF-style: chr17-38788589-G-A.
Other names: short protein forms T191I.
Identifiers: ClinVar variation 2061519 (VCV002061519.4), dbSNP rs1384165093, ClinGen allele CA399364843.

ClinVar aggregate classification (germline): Uncertain significance (1 of 4 stars; one submission).

Conditions:
Familial meningioma. Also called: Meningioma, familial, susceptibility to. Identifiers: Orphanet 263662, MedGen C3551915, MONDO:0011789, OMIM 607174.

gnomAD v4.1: 1 of 1,613,886 alleles (0.000062%); highest among the groups gnomAD compares: Non-Finnish European, 0.000085%; no homozygotes.

Submission:

Labcorp Genetics (formerly Invitae), Labcorp
Classification: Uncertain significance for Familial meningioma. Last evaluated: 2025-07-31. Review status: criteria provided, single submitter. Criteria: Invitae Variant Classification Sherloc (09022015). Collection method: clinical testing. Allele origin: germline.
Comment: This sequence change replaces threonine, which is neutral and polar, with isoleucine, which is neutral and non-polar, at codon 191 of the SMARCE1 protein (p.Thr191Ile). This variant is not present in population databases (gnomAD no frequency). This variant has not been reported in the literature in individuals affected with SMARCE1-related conditions. ClinVar contains an entry for this variant (Variation ID: 2061519). Invitae Evidence Modeling of protein sequence and biophysical properties (such as structural, functional, and spatial information, amino acid conservation, physicochemical variation, residue mobility, and thermodynamic stability) indicates that this missense variant is not expected to disrupt SMARCE1 protein function with a negative predictive value of 80%. In summary, the available evidence is currently insufficient to determine the role of this variant in disease. Therefore, it has been classified as a Variant of Uncertain Significance.